The following is an entry in ClinVar:

ClinVar aggregate classification (germline): Uncertain significance. Review status: reviewed by expert panel (3 of 4 stars). 4 submissions from 4 submitters: Uncertain significance (1). 3 of the submissions do not count toward it. Last evaluated 2023-09-21.

Conditions:
Hereditary antithrombin deficiency (AT3D). Also called: Reduced antithrombin III activity; Antithrombin III deficiency; Thrombophilia due to antithrombin III deficiency; Antithrombin deficiency. Identifiers: Orphanet 82, MedGen C0272375, MONDO:0013144, OMIM 613118, HP:0001976.
SERPINC1-related disorder. Also called: SERPINC1-related condition.

Allele frequency attached by ClinVar (database versions not stated): gnomAD exomes 0.00005 and 0.00012; ExAC 0.00012; gnomAD 0.00041; TOPMed 0.00063; ESP Exome Variant Server 0.00077.
gnomAD v4.1: 168 of 1,614,060 alleles (0.01%); highest among the groups gnomAD compares: African/African-American, 0.18%; no homozygotes.

Submissions (4):

Clingen Thrombosis Variant Curation Expert Panel, ClinGen
Classification: Uncertain significance for Hereditary antithrombin deficiency. Last evaluated: 2023-09-21. Review status: reviewed by expert panel. Criteria: ClinGen ACMG Specifications SERPINC1 V1.0.0. Collection method: curation. Allele origin: germline. Inheritance: Autosomal dominant inheritance.
Comment: The c.529C>T (p.Arg177Cys) variant is reported at a POPMAX FAF of 0.001545 in the African/African American population in gnomAD v3.1.2, and is >BS1 cut-off of 0.0002. One proband in PMID: 28300866 and three probands from internal data with AT deficiency are noted to carry the variant ; however PS4 is not applied since BS1 is met. The variant has a REVEL score of 0.873, which exceeds the cutoff (>0.6) set by the VCEP. Thrombosis VCEP considers this variant as a variant of uncertain significance due to the presence of at least 4 cases with AT deficiency and a high REVEL score. While the population frequency is high, the absence of homozygotes in the population may argue against the variant being benign. The experimental evidence is unreliable with varying activity levels on different assays. A conservative approach would be to classify this variant as uncertain. In summary, based on the evidence available at this time, the clinical significance of this variant is uncertain. ACMG/AMP criteria applied, as specified by the Thrombosis Variant Curation Expert Panel for SERPINC1: BS1, PP3.

Labcorp Genetics (formerly Invitae), Labcorp
Classification: Likely benign for Hereditary antithrombin deficiency. Last evaluated: 2025-12-08. Review status: criteria provided, single submitter. Criteria: Invitae Variant Classification Sherloc (09022015). Collection method: clinical testing. Allele origin: germline. Not counted in ClinVar's aggregate classification.

PreventionGenetics, part of Exact Sciences
Classification: Uncertain significance for SERPINC1-related condition. Last evaluated: 2025-09-03. Review status: criteria provided, single submitter. Criteria: ACMG Guidelines, 2015. Collection method: clinical testing. Allele origin: germline. Not counted in ClinVar's aggregate classification.
Comment: The SERPINC1 c.529C>T variant is predicted to result in the amino acid substitution p.Arg177Cys. This variant was reported in an individual with transient antithrombin deficiency with low heparin binding affinity (Bravo-Pérez et al. 2022. PubMed ID: 34800304). This variant is reported in 0.15% of alleles in individuals of African descent in gnomAD. At this time, the clinical significance of this variant is uncertain due to the absence of conclusive functional and genetic evidence.

Greenwood Genetic Center Diagnostic Laboratories, Greenwood Genetic Center
Classification: Uncertain significance. Last evaluated: 2023-08-02. Review status: criteria provided, single submitter. Criteria: ACMG Guidelines, 2015. Collection method: clinical testing. Allele origin: germline. Affected: yes. Not counted in ClinVar's aggregate classification.
Comment: PP3

NM_000488.4(SERPINC1):c.529C>T (p.Arg177Cys)

Gene: SERPINC1 (serpin family C member 1; minus strand). Cytogenetic location: 1q25.1.
Variant type: single nucleotide variant.
Coding change: c.529C>T on transcript NM_000488.4 (MANE Select); coding-DNA position 529, C replaced by T.
Protein change: p.Arg177Cys; replaces arginine 177 with cysteine.
Molecular consequence: missense variant. On other transcripts: intron variant (1).
Genome position (GRCh38, 1-based): chr1:173,911,894, G>A on the plus strand (C>T on the coding strand, the complement: SERPINC1 is on the minus strand). VCF-style: chr1-173911894-G-A. GRCh37 (hg19) VCF-style: chr1-173881032-G-A.
Other names: NM_000488.4(SERPINC1):c.529C>T; p.Arg177Cys; c.385C>T, p.Arg129Cys (NM_001365052.2); c.529C>T, p.Arg177Cys (NM_001386302.1, NM_001386304.1, NM_001386305.1); c.610C>T, p.Arg204Cys (NM_001386303.1); c.409-1003C>T (NM_001386306.1); short protein forms R177C, R129C, R204C.
Identifiers: ClinVar variation 529744 (VCV000529744.14), dbSNP rs143521873, ClinGen allele CA1251403.